The following is an entry in ClinVar:

ClinVar aggregate classification (germline): Uncertain significance (1 of 4 stars; one submission).

Conditions:
Hereditary breast ovarian cancer syndrome. Also called: BRCA1- and BRCA2-Associated Hereditary Breast and Ovarian Cancer; Hereditary breast and/or ovarian cancer syndrome; Hereditary breast and ovarian cancer syndrome; Hereditary breast and ovarian cancer syndrome (HBOC); Breast and ovarian cancer; Hereditary breast and ovarian cancer. Identifiers: Orphanet 145, MedGen C0677776, MeSH D061325, MONDO:0003582. Disease mechanism: loss of function.

Submission:

Labcorp Genetics (formerly Invitae), Labcorp
Classification: Uncertain significance for Hereditary breast ovarian cancer syndrome. Last evaluated: 2025-01-26. Review status: criteria provided, single submitter. Criteria: Invitae Variant Classification Sherloc (09022015). Collection method: clinical testing. Allele origin: germline.
Comment: This sequence change replaces glutamic acid, which is acidic and polar, with glutamine, which is neutral and polar, at codon 1126 of the BRCA2 protein (p.Glu1126Gln). This variant is not present in population databases (gnomAD no frequency). This variant has not been reported in the literature in individuals affected with BRCA2-related conditions. Invitae Evidence Modeling of protein sequence and biophysical properties (such as structural, functional, and spatial information, amino acid conservation, physicochemical variation, residue mobility, and thermodynamic stability) indicates that this missense variant is not expected to disrupt BRCA2 protein function with a negative predictive value of 95%. In summary, the available evidence is currently insufficient to determine the role of this variant in disease. Therefore, it has been classified as a Variant of Uncertain Significance.

NM_000059.4(BRCA2):c.3376G>C (p.Glu1126Gln)

Gene: BRCA2 (BRCA2 DNA repair associated; plus strand). Cytogenetic location: 13q13.1.
Variant type: single nucleotide variant.
Coding change: c.3376G>C on transcript NM_000059.4 (MANE Select); coding-DNA position 3376, G replaced by C.
Protein change: p.Glu1126Gln; replaces glutamic acid 1126 with glutamine.
Molecular consequence: missense variant. On other transcripts: non-coding transcript variant (1), intron variant (2).
Genome position (GRCh38, 1-based): chr13:32,337,731, G>C. VCF-style: chr13-32337731-G-C. GRCh37 (hg19) VCF-style: chr13-32911868-G-C.
Other names: c.3376G>C, p.Glu1126Gln (NM_001406719.1, NM_001406720.1, NM_001432077.1); c.1909+4344G>C (NM_001406721.1); c.424+6701G>C (NM_001406722.1); short protein forms E1126Q.
Identifiers: ClinVar variation 3667215 (VCV003667215.2).